The following is an entry in ClinVar:

ClinVar aggregate classification (germline): Uncertain significance (1 of 4 stars; one submission).

Conditions:
Frontotemporal dementia and/or amyotrophic lateral sclerosis 1 (FTDALS1). Also called: Frontotemporal dementia with motor neuron disease 1; C9orf72 Frontotemporal Dementia and/or Amyotrophic Lateral Sclerosis. Identifiers: Orphanet 275872, MedGen C5779877, MONDO:0007105, OMIM 105550.
Paget disease of bone 2, early-onset (PDB2). Also called: Paget disease of bone 2. Identifiers: MedGen C4085251, MONDO:0011183, OMIM 602080.

Submission:

Labcorp Genetics (formerly Invitae), Labcorp
Classification: Uncertain significance for Paget disease of bone 2, early-onset; Frontotemporal dementia and/or amyotrophic lateral sclerosis 1. Last evaluated: 2025-04-08. Review status: criteria provided, single submitter. Criteria: Invitae Variant Classification Sherloc (09022015). Collection method: clinical testing. Allele origin: germline.
Comment: This sequence change falls in intron 2 of the SQSTM1 gene. It does not directly change the encoded amino acid sequence of the SQSTM1 protein. It affects a nucleotide within the consensus splice site. This variant is not present in population databases (gnomAD no frequency). This variant has not been reported in the literature in individuals affected with SQSTM1-related conditions. ClinVar contains an entry for this variant (Variation ID: 3758777). Variants that disrupt the consensus splice site are a relatively common cause of aberrant splicing (PMID: 17576681, 9536098). Algorithms developed to predict the effect of sequence changes on RNA splicing suggest that this variant is not likely to affect RNA splicing. In summary, the available evidence is currently insufficient to determine the role of this variant in disease. Therefore, it has been classified as a Variant of Uncertain Significance.

Literature cited by the submitters: PubMed 17576681; PubMed 9536098.

NM_003900.5(SQSTM1):c.301+5G>A

Gene: SQSTM1 (sequestosome 1; plus strand). Cytogenetic location: 5q35.3.
Variant type: single nucleotide variant.
Coding change: c.301+5G>A on transcript NM_003900.5 (MANE Select); 5 bases into the intron after coding-DNA position 301, G replaced by A.
Molecular consequence: intron variant.
Genome position (GRCh38, 1-based): chr5:179,823,058, G>A. VCF-style: chr5-179823058-G-A. GRCh37 (hg19) VCF-style: chr5-179250058-G-A.
Other names: c.49+5G>A (NM_001142298.2, NM_001142299.2).
Identifiers: ClinVar variation 3758777 (VCV003758777.2).